The following is an entry in ClinVar:

ClinVar aggregate classification (germline): Uncertain significance (1 of 4 stars; one submission).

Conditions:
Cardiovascular phenotype. Identifiers: MedGen CN230736.

Submission:

Ambry Genetics
Classification: Uncertain significance for Cardiovascular phenotype. Last evaluated: 2025-03-25. Review status: criteria provided, single submitter. Criteria: Ambry Variant Classification Scheme 2023. Collection method: clinical testing. Allele origin: germline.
Comment: The p.Q309R variant (also known as c.926A>G), located in coding exon 7 of the DSP gene, results from an A to G substitution at nucleotide position 926. The glutamine at codon 309 is replaced by arginine, an amino acid with highly similar properties. This amino acid position is conserved. In addition, this alteration is predicted to be deleterious by in silico analysis. Based on the available evidence, the clinical significance of this variant remains unclear.

NM_004415.4(DSP):c.926A>G (p.Gln309Arg)

Gene: DSP (desmoplakin; plus strand). Cytogenetic location: 6p24.3.
Variant type: single nucleotide variant.
Coding change: c.926A>G on transcript NM_004415.4 (MANE Select); coding-DNA position 926, A replaced by G.
Protein change: p.Gln309Arg; replaces glutamine 309 with arginine.
Molecular consequence: missense variant.
Genome position (GRCh38, 1-based): chr6:7,565,507, A>G. VCF-style: chr6-7565507-A-G. GRCh37 (hg19) VCF-style: chr6-7565740-A-G.
Other names: c.926A>G, p.Gln309Arg (NM_001008844.3, NM_001319034.2, NM_001406591.1); short protein forms Q309R.
Identifiers: ClinVar variation 4015090 (VCV004015090.1).